The following is an entry in ClinVar:

ClinVar aggregate classification (germline): Uncertain significance (1 of 4 stars; one submission).

Conditions:
Idiopathic generalized epilepsy. Also called: Generalised epilepsy; EIG. Identifiers: MedGen C0270850, MONDO:0005579, OMIM 600669.

Submission:

Labcorp Genetics (formerly Invitae), Labcorp
Classification: Uncertain significance for Idiopathic generalized epilepsy. Last evaluated: 2024-07-01. Review status: criteria provided, single submitter. Criteria: Invitae Variant Classification Sherloc (09022015). Collection method: clinical testing. Allele origin: germline.
Comment: This sequence change creates a premature translational stop signal (p.Tyr339*) in the RBFOX1 gene. It is expected to result in an absent or disrupted protein product. However, the current clinical and genetic evidence is not sufficient to establish whether loss-of-function variants in RBFOX1 cause disease. This variant is not present in population databases (gnomAD no frequency). This variant has not been reported in the literature in individuals affected with RBFOX1-related conditions. ClinVar contains an entry for this variant (Variation ID: 2131842). In summary, the available evidence is currently insufficient to determine the role of this variant in disease. Therefore, it has been classified as a Variant of Uncertain Significance.

NM_018723.4(RBFOX1):c.954C>G (p.Tyr318Ter)

Gene: RBFOX1 (RNA binding fox-1 homolog 1; plus strand). Cytogenetic location: 16p13.3.
Variant type: single nucleotide variant.
Coding change: c.954C>G on transcript NM_018723.4 (MANE Select); coding-DNA position 954, C replaced by G.
Protein change: p.Tyr318Ter; replaces tyrosine 318 with a stop codon.
Molecular consequence: nonsense.
Genome position (GRCh38, 1-based): chr16:7,676,797, C>G. VCF-style: chr16-7676797-C-G. GRCh37 (hg19) VCF-style: chr16-7726799-C-G.
Other names: c.873C>G, p.Tyr291Ter (NM_001142333.2); c.1029C>G, p.Tyr343Ter (NM_001415893.1, NM_001415899.1, NM_001415901.1 and 1 more transcripts); c.1062C>G, p.Tyr354Ter (NM_001415894.1, NM_001415898.1, NM_001415889.1 and 1 more transcripts); c.1083C>G, p.Tyr361Ter (NM_001415895.1, NM_001308117.1, NM_001411047.1 and 1 more transcripts); c.1014C>G, p.Tyr338Ter (NM_001415896.1, NM_001415904.1); c.1002C>G, p.Tyr334Ter (NM_001415897.1, NM_001415907.1); c.981C>G, p.Tyr327Ter (NM_001415900.1, NM_001415909.1); c.960C>G, p.Tyr320Ter (NM_001415902.1, NM_001415911.1); and 13 more; short protein forms Y316*, Y323*, Y327*, Y339*, Y343*, Y291*, Y354*, Y361*.
Identifiers: ClinVar variation 2131842 (VCV002131842.4), dbSNP rs182244522, ClinGen allele CA394684016.